The following is an entry in ClinVar:

NM_001382567.1(STIM1):c.1453G>A (p.Val485Met)

Gene: STIM1 (stromal interaction molecule 1; plus strand). Cytogenetic location: 11p15.4.
Variant type: single nucleotide variant.
Coding change: c.1453G>A on transcript NM_001382567.1 (MANE Select); coding-DNA position 1453, G replaced by A.
Protein change: p.Val485Met; replaces valine 485 with methionine.
Molecular consequence: missense variant. On other transcripts: non-coding transcript variant (2).
Genome position (GRCh38, 1-based): chr11:4,083,477, G>A. VCF-style: chr11-4083477-G-A. GRCh37 (hg19) VCF-style: chr11-4104707-G-A.
Other names: c.1453G>A, p.Val485Met (NM_001277961.3, NM_001277962.2, NM_003156.4); c.1231G>A, p.Val411Met (NM_001382566.1, NM_001382573.1, NM_001382575.1 and 4 more transcripts); c.1474G>A, p.Val492Met (NM_001382568.1); c.1318G>A, p.Val440Met (NM_001382569.1); c.1225G>A, p.Val409Met (NM_001382570.1); c.973G>A, p.Val325Met (NM_001382571.1); c.964G>A, p.Val322Met (NM_001382580.1, NM_001382581.1); short protein forms V325M, V409M, V485M, V411M, V440M, V492M, V322M.
Identifiers: ClinVar variation 2951715 (VCV002951715.3), dbSNP rs2094476097, ClinGen allele CA379194507.

ClinVar aggregate classification (germline): Uncertain significance (1 of 4 stars; one submission).

Conditions:
Stormorken syndrome (STRMK). Also called: THROMBOCYTOPATHY, ASPLENIA, AND MIOSIS. Identifiers: Orphanet 3204, MedGen C1861451, MONDO:0008497, OMIM 185070.
Combined immunodeficiency due to STIM1 deficiency. Also called: STIM1 DEFICIENCY; IMMUNODEFICIENCY 10. Identifiers: Orphanet 169090, Orphanet 317430, MedGen C2748557, MONDO:0013008, OMIM 612783.
Myopathy with tubular aggregates (TAM). Also called: Tubular Aggregate Myopathy. Identifiers: Orphanet 2593, MedGen C0410207, MONDO:0008051.

Submission:

Labcorp Genetics (formerly Invitae), Labcorp
Classification: Uncertain significance for Myopathy with tubular aggregates; Combined immunodeficiency due to STIM1 deficiency; Stormorken syndrome. Last evaluated: 2023-10-17. Review status: criteria provided, single submitter. Criteria: Invitae Variant Classification Sherloc (09022015). Collection method: clinical testing. Allele origin: germline.
Comment: This sequence change replaces valine, which is neutral and non-polar, with methionine, which is neutral and non-polar, at codon 485 of the STIM1 protein (p.Val485Met). This variant is not present in population databases (gnomAD no frequency). This variant has not been reported in the literature in individuals affected with STIM1-related conditions. Advanced modeling of protein sequence and biophysical properties (such as structural, functional, and spatial information, amino acid conservation, physicochemical variation, residue mobility, and thermodynamic stability) performed at Invitae indicates that this missense variant is not expected to disrupt STIM1 protein function. In summary, the available evidence is currently insufficient to determine the role of this variant in disease. Therefore, it has been classified as a Variant of Uncertain Significance.